The following is an entry in ClinVar:

ClinVar aggregate classification (germline): Uncertain significance (1 of 4 stars; one submission).

Submission:

Labcorp Genetics (formerly Invitae), Labcorp
Classification: Uncertain significance. Last evaluated: 2024-11-12. Review status: criteria provided, single submitter. Criteria: Invitae Variant Classification Sherloc (09022015). Collection method: clinical testing. Allele origin: germline.
Comment: This sequence change replaces valine, which is neutral and non-polar, with methionine, which is neutral and non-polar, at codon 62 of the THBD protein (p.Val62Met). The frequency data for this variant in the population databases is considered unreliable, as metrics indicate poor data quality at this position in the gnomAD database. This variant has not been reported in the literature in individuals affected with THBD-related conditions. Invitae Evidence Modeling of protein sequence and biophysical properties (such as structural, functional, and spatial information, amino acid conservation, physicochemical variation, residue mobility, and thermodynamic stability) has been performed for this missense variant. However, the output from this modeling did not meet the statistical confidence thresholds required to predict the impact of this variant on THBD protein function. In summary, the available evidence is currently insufficient to determine the role of this variant in disease. Therefore, it has been classified as a Variant of Uncertain Significance.

NM_000361.3(THBD):c.184G>A (p.Val62Met)

Gene: THBD (thrombomodulin; minus strand). Cytogenetic location: 20p11.21.
Variant type: single nucleotide variant.
Coding change: c.184G>A on transcript NM_000361.3 (MANE Select); coding-DNA position 184, G replaced by A.
Protein change: p.Val62Met; replaces valine 62 with methionine.
Molecular consequence: missense variant.
Genome position (GRCh38, 1-based): chr20:23,049,321, C>T on the plus strand (G>A on the coding strand, the complement: THBD is on the minus strand). VCF-style: chr20-23049321-C-T. GRCh37 (hg19) VCF-style: chr20-23029958-C-T.
Other names: short protein forms V62M.
Identifiers: ClinVar variation 3658727 (VCV003658727.2).